The following is an entry in ClinVar:

ClinVar aggregate classification (germline): Uncertain significance. Review status: criteria provided, single submitter (1 of 4 stars). 2 submissions from 2 submitters: Uncertain significance (1). 1 of the submissions does not count toward it. Last evaluated 2024-04-30.

Conditions:
FBLN1-related disorder. Also called: FBLN1-related condition.

Allele frequency attached by ClinVar (database versions not stated): 1000 Genomes Project 30x 0.00016; gnomAD 0.00017 and 0.00019; TOPMed 0.00017; 1000 Genomes Project 0.00020; gnomAD exomes 0.00025 and 0.00039; ExAC 0.00031; ESP Exome Variant Server 0.00031.
gnomAD v4.1: 403 of 1,613,978 alleles (0.025%); highest among the groups gnomAD compares: Middle Eastern, 0.18%; no homozygotes.

Submissions (4):

Labcorp Genetics (formerly Invitae), Labcorp
Classification: Uncertain significance. Last evaluated: 2024-04-30. Review status: criteria provided, single submitter. Criteria: Invitae Variant Classification Sherloc (09022015). Collection method: clinical testing. Allele origin: germline.
Comment: This sequence change replaces isoleucine, which is neutral and non-polar, with valine, which is neutral and non-polar, at codon 164 of the FBLN1 protein (p.Ile164Val). This variant is present in population databases (rs145471003, gnomAD 0.2%), and has an allele count higher than expected for a pathogenic variant. This variant has not been reported in the literature in individuals affected with FBLN1-related conditions. ClinVar contains an entry for this variant (Variation ID: 1524838). Algorithms developed to predict the effect of missense changes on protein structure and function output the following: SIFT: "Not Available"; PolyPhen-2: "Benign"; Align-GVGD: "Not Available". The valine amino acid residue is found in multiple mammalian species, which suggests that this missense change does not adversely affect protein function. In summary, the available evidence is currently insufficient to determine the role of this variant in disease. Therefore, it has been classified as a Variant of Uncertain Significance.

PreventionGenetics, part of Exact Sciences
Classification: Likely benign for FBLN1-related condition. Last evaluated: 2022-09-01. Review status: no assertion criteria provided. Collection method: clinical testing. Allele origin: germline. Not counted in ClinVar's aggregate classification.
Comment: This variant is classified as likely benign based on ACMG/AMP sequence variant interpretation guidelines (Richards et al. 2015 PMID: 25741868, with internal and published modifications).

Dr. Peter K. Rogan Lab, Western University
No classification provided (evidence only). Condition: Cervical cancer. Review status: no classification provided. Collection method: in vitro. Allele origin: not applicable. Functional consequence: skipped exon. Not counted in ClinVar's aggregate classification.

Dr. Peter K. Rogan Lab, Western University
No classification provided (evidence only). Condition: Cervical cancer. Review status: no classification provided. Collection method: in vitro. Allele origin: not applicable. Functional consequence: skipped exon, retained intron. Not counted in ClinVar's aggregate classification.

NM_006486.3(FBLN1):c.490A>G (p.Ile164Val)

Gene: FBLN1 (fibulin 1; plus strand). Cytogenetic location: 22q13.31.
Variant type: single nucleotide variant.
Coding change: c.490A>G on transcript NM_006486.3 (MANE Select); coding-DNA position 490, A replaced by G.
Protein change: p.Ile164Val; replaces isoleucine 164 with valine.
Molecular consequence: missense variant.
Genome position (GRCh38, 1-based): chr22:45,531,270, A>G. VCF-style: chr22-45531270-A-G. GRCh37 (hg19) VCF-style: chr22-45927150-A-G.
Other names: c.490A>G, p.Ile164Val (NM_001996.4, NM_006485.4, NM_006487.3); c.490A>G (NM_006486.2); short protein forms I164V.
Identifiers: ClinVar variation 1524838 (VCV001524838.11), dbSNP rs145471003, ClinGen allele CA10286582.